The following is an entry in ClinVar:

ClinVar aggregate classification (germline): Uncertain significance. Review status: criteria provided, multiple submitters, no conflicts (2 of 4 stars). 2 submissions from 2 submitters: Uncertain significance (2). Last evaluated 2025-10-22.

Conditions:
Primary dilated cardiomyopathy (DCM). Also called: Dilated Cardiomyopathy. Identifiers: Orphanet 217604, MedGen C0007193, MeSH D002311, MONDO:0005021, HP:0001644. Inheritance: Various modes of inheritance.

Allele frequency attached by ClinVar (database versions not stated): ExAC 0.00001; gnomAD 0.00001; gnomAD exomes 0.00001; TOPMed 0.00001.
gnomAD v4.1: 16 of 1,613,378 alleles (0.00099%); highest among the groups gnomAD compares: Non-Finnish European, 0.0013%; no homozygotes.

Submissions (2):

Ambry Genetics
Classification: Uncertain significance. Last evaluated: 2025-10-22. Review status: criteria provided, single submitter. Criteria: Ambry Variant Classification Scheme 2023. Collection method: clinical testing. Allele origin: germline.

Labcorp Genetics (formerly Invitae), Labcorp
Classification: Uncertain significance for Primary dilated cardiomyopathy. Last evaluated: 2024-02-23. Review status: criteria provided, single submitter. Criteria: Invitae Variant Classification Sherloc (09022015). Collection method: clinical testing. Allele origin: germline.
Comment: This sequence change replaces serine, which is neutral and polar, with proline, which is neutral and non-polar, at codon 885 of the NEBL protein (p.Ser885Pro). This variant is present in population databases (rs768620205, gnomAD 0.004%). This variant has not been reported in the literature in individuals affected with NEBL-related conditions. ClinVar contains an entry for this variant (Variation ID: 1794353). An algorithm developed to predict the effect of missense changes on protein structure and function (PolyPhen-2) suggests that this variant is likely to be disruptive. In summary, the available evidence is currently insufficient to determine the role of this variant in disease. Therefore, it has been classified as a Variant of Uncertain Significance.

NM_006393.3(NEBL):c.2653T>C (p.Ser885Pro)

Gene: NEBL (nebulette; minus strand). Cytogenetic location: 10p12.31.
Variant type: single nucleotide variant.
Coding change: c.2653T>C on transcript NM_006393.3 (MANE Select); coding-DNA position 2653, T replaced by C.
Protein change: p.Ser885Pro; replaces serine 885 with proline.
Molecular consequence: missense variant. On other transcripts: intron variant (9).
Genome position (GRCh38, 1-based): chr10:20,808,618, A>G on the plus strand (T>C on the coding strand, the complement: NEBL is on the minus strand). VCF-style: chr10-20808618-A-G. GRCh37 (hg19) VCF-style: chr10-21097547-A-G.
Other names: c.421+4151T>C (NM_001377326.1, NM_001377327.1, NM_001377328.1); c.529+4151T>C (NM_213569.2, NM_001173484.2); c.622+1188T>C (NM_001377322.1); c.472+4151T>C (NM_001377324.1); c.463+4151T>C (NM_001377325.1); c.481+4151T>C (NM_001377323.1); short protein forms S885P.
Identifiers: ClinVar variation 1794353 (VCV001794353.9), dbSNP rs768620205, ClinGen allele CA5432370.